The following is an entry in ClinVar:

NM_002769.5(PRSS1):c.425C>G (p.Ser142Cys)

Genes: PRSS1 (serine protease 1; plus strand), TRB (T cell receptor beta locus; plus strand). Cytogenetic location: 7q34.
Variant type: single nucleotide variant.
Coding change: c.425C>G on transcript NM_002769.5 (MANE Select); coding-DNA position 425, C replaced by G.
Protein change: p.Ser142Cys; replaces serine 142 with cysteine.
Molecular consequence: missense variant. On other transcripts: non-coding transcript variant (5).
Genome position (GRCh38, 1-based): chr7:142,751,998, C>G. VCF-style: chr7-142751998-C-G. GRCh37 (hg19) VCF-style: chr7-142459849-C-G.
Other names: short protein forms S142C.
Identifiers: ClinVar variation 1739150 (VCV001739150.2), dbSNP rs2485754807, ClinGen allele CA369609166.

ClinVar aggregate classification (germline): Uncertain significance (1 of 4 stars; one submission).

Conditions:
Hereditary pancreatitis (PCTT). Also called: Hereditary chronic pancreatitis; PRSS1-Related Hereditary Pancreatitis. Identifiers: Orphanet 676, MedGen C0238339, MONDO:0008185, OMIM 167800.

Submission:

Ambry Genetics
Classification: Uncertain significance for Hereditary pancreatitis. Last evaluated: 2022-03-01. Review status: criteria provided, single submitter. Criteria: Ambry Variant Classification Scheme 2023. Collection method: clinical testing. Allele origin: germline.
Comment: The p.S142C variant (also known as c.425C>G), located in coding exon 3 of the PRSS1 gene, results from a C to G substitution at nucleotide position 425. The serine at codon 142 is replaced by cysteine, an amino acid with dissimilar properties. This amino acid position is conserved. In addition, this alteration is predicted to be deleterious by in silico analysis. Since supporting evidence is limited at this time, the clinical significance of this alteration remains unclear.